The following is an entry in ClinVar:

ClinVar aggregate classification (germline): Pathogenic (1 of 4 stars; one submission).

Conditions:
Familial cancer of breast. Also called: BREAST CANCER, FAMILIAL; Hereditary breast cancer; hereditary breast carcinoma. Identifiers: Orphanet 227535, MedGen C0346153, MONDO:0016419, OMIM 114480. Disease mechanism: loss of function.

Submission:

Myriad Genetics, Inc.
Classification: Pathogenic for Familial cancer of breast. Last evaluated: 2025-05-06. Review status: criteria provided, single submitter. Criteria: Myriad Autosomal Dominant, Autosomal Recessive and X-Linked Classification Criteria (2023). Collection method: clinical testing. Allele origin: unknown.
Comment: This variant is considered pathogenic. This variant creates a frameshift predicted to result in premature protein truncation.

NM_000051.4(ATM):c.7186dup (p.Thr2396fs)

Genes: ATM (ATM serine/threonine kinase; plus strand), C11orf65 (chromosome 11 open reading frame 65; minus strand). Cytogenetic location: 11q22.3.
Variant type: Duplication.
Coding change: c.7186dup on transcript NM_000051.4 (MANE Select); coding-DNA position 7186, one base duplicated (A; older notation c.7186dupA).
Protein change: p.Thr2396fs; shifts the reading frame from threonine 2396.
Molecular consequence: frameshift variant. On other transcripts: intron variant (2).
Genome position (GRCh38, 1-based): chr11:108,329,117, A duplicated. VCF-style (leftmost placement, unchanged base first): chr11-108329116-T-TA. GRCh37 (hg19) VCF-style: chr11-108199843-T-TA.
Other names: c.7186dup, p.Thr2396fs (NM_001351834.2); c.641-20046dup (NM_001330368.2); c.*38+6103dup (NM_001351110.2); short protein forms T2396fs.
Identifiers: ClinVar variation 4071385 (VCV004071385.1).
Genomic context (GRCh38, chr11:108,329,116, plus strand): 5'-TAGTGATGAGCTAAGAAATGGAAAAATGAAGGCATTTCTCTCATTAGCCCGGTTTTCAGA[T>TA]ACTCAATACCAAAGAATTGAAAACTACATGAAATCATCGGAATTTGAAAACAAGCAAGCT-3'